The following is an entry in ClinVar:

ClinVar aggregate classification (germline): Pathogenic (1 of 4 stars; one submission).

Submission:

CeGaT Center for Human Genetics Tuebingen
Classification: Pathogenic. Last evaluated: 2024-03-01. Review status: criteria provided, single submitter. Criteria: CeGaT Center For Human Genetics Tuebingen Variant Classification Criteria Version 2. Collection method: clinical testing. Allele origin: germline. Affected: yes. Observed: 1 variant allele.
Comment: USP7: PVS1, PM2

NM_003470.3(USP7):c.1749del (p.Met583fs)

Gene: USP7 (ubiquitin specific peptidase 7; minus strand). Cytogenetic location: 16p13.2.
Variant type: Deletion.
Coding change: c.1749del on transcript NM_003470.3 (MANE Select); coding-DNA position 1749, one base deleted (G; older notation c.1749delG).
Protein change: p.Met583fs; shifts the reading frame from methionine 583.
Molecular consequence: frameshift variant. On other transcripts: non-coding transcript variant (1).
Genome position (GRCh38, 1-based): chr16:8,903,358, C deleted on the plus strand (G on the coding strand, the reverse complement: USP7 is on the minus strand). VCF-style (leftmost placement, unchanged base first): chr16-8903357-AC-A. GRCh37 (hg19) VCF-style: chr16-8997214-AC-A.
Other names: c.1701del, p.Met567fs (NM_001286457.2); c.1452del, p.Met484fs (NM_001286458.2); c.1575del, p.Met525fs (NM_001321858.2); short protein forms M484fs, M525fs, M567fs, M583fs.
Identifiers: ClinVar variation 3027370 (VCV003027370.22), dbSNP rs2549226398, ClinGen allele CA2740093251.